The following is an entry in ClinVar:

ClinVar aggregate classification (germline): Uncertain significance (1 of 4 stars; one submission).

Submission:

Labcorp Genetics (formerly Invitae), Labcorp
Classification: Uncertain significance. Last evaluated: 2024-09-27. Review status: criteria provided, single submitter. Criteria: Invitae Variant Classification Sherloc (09022015). Collection method: clinical testing. Allele origin: germline.
Comment: This sequence change replaces arginine, which is basic and polar, with leucine, which is neutral and non-polar, at codon 1323 of the ARID1A protein (p.Arg1323Leu). This variant is present in population databases (rs775802127, gnomAD 0.006%). This variant has not been reported in the literature in individuals affected with ARID1A-related conditions. Invitae Evidence Modeling of protein sequence and biophysical properties (such as structural, functional, and spatial information, amino acid conservation, physicochemical variation, residue mobility, and thermodynamic stability) indicates that this missense variant is not expected to disrupt ARID1A protein function with a negative predictive value of 80%. In summary, the available evidence is currently insufficient to determine the role of this variant in disease. Therefore, it has been classified as a Variant of Uncertain Significance.

NM_006015.6(ARID1A):c.3968G>T (p.Arg1323Leu)

Gene: ARID1A (AT-rich interaction domain 1A; plus strand). Cytogenetic location: 1p36.11.
Variant type: single nucleotide variant.
Coding change: c.3968G>T on transcript NM_006015.6 (MANE Select); coding-DNA position 3968, G replaced by T.
Protein change: p.Arg1323Leu; replaces arginine 1323 with leucine.
Molecular consequence: missense variant.
Genome position (GRCh38, 1-based): chr1:26,773,681, G>T. VCF-style: chr1-26773681-G-T. GRCh37 (hg19) VCF-style: chr1-27100172-G-T.
Other names: c.3968G>T, p.Arg1323Leu (NM_139135.4); short protein forms R1323L.
Identifiers: ClinVar variation 3663001 (VCV003663001.2).